The following is an entry in ClinVar:

ClinVar aggregate classification (germline): Uncertain significance (1 of 4 stars; one submission).

Conditions:
Maple syrup urine disease, mild variant (MSUDMV). Identifiers: Orphanet 511, MedGen C3554575, MONDO:0014057, OMIM 615135.

Allele frequency attached by ClinVar (database versions not stated): ESP Exome Variant Server 0.00015; 1000 Genomes Project 30x 0.00047; 1000 Genomes Project 0.00060.
gnomAD v4.1: 131 of 1,614,090 alleles (0.0081%); highest among the groups gnomAD compares: South Asian, 0.085%; no homozygotes.

Submission:

Labcorp Genetics (formerly Invitae), Labcorp
Classification: Uncertain significance for Maple syrup urine disease, mild variant. Last evaluated: 2025-02-24. Review status: criteria provided, single submitter. Criteria: Invitae Variant Classification Sherloc (09022015). Collection method: clinical testing. Allele origin: germline.
Comment: This sequence change replaces valine, which is neutral and non-polar, with isoleucine, which is neutral and non-polar, at codon 254 of the PPM1K protein (p.Val254Ile). This variant is present in population databases (rs149542046, gnomAD 0.1%), and has an allele count higher than expected for a pathogenic variant. This variant has not been reported in the literature in individuals affected with PPM1K-related conditions. ClinVar contains an entry for this variant (Variation ID: 2153548). An algorithm developed to predict the effect of missense changes on protein structure and function (PolyPhen-2) suggests that this variant is likely to be disruptive. In summary, the available evidence is currently insufficient to determine the role of this variant in disease. Therefore, it has been classified as a Variant of Uncertain Significance.

NM_152542.5(PPM1K):c.760G>A (p.Val254Ile)

Gene: PPM1K (protein phosphatase, Mg2+/Mn2+ dependent 1K; minus strand). Cytogenetic location: 4q22.1.
Variant type: single nucleotide variant.
Coding change: c.760G>A on transcript NM_152542.5 (MANE Select); coding-DNA position 760, G replaced by A.
Protein change: p.Val254Ile; replaces valine 254 with isoleucine.
Molecular consequence: missense variant.
Genome position (GRCh38, 1-based): chr4:88,268,282, C>T on the plus strand (G>A on the coding strand, the complement: PPM1K is on the minus strand). VCF-style: chr4-88268282-C-T. GRCh37 (hg19) VCF-style: chr4-89189434-C-T.
Other names: short protein forms V254I.
Identifiers: ClinVar variation 2153548 (VCV002153548.4), dbSNP rs149542046, ClinGen allele CA3005175.